The following is an entry in ClinVar:

NM_000135.4(FANCA):c.360C>G (p.Ser120Arg)

Gene: FANCA (FA complementation group A; minus strand). Cytogenetic location: 16q24.3.
Variant type: single nucleotide variant.
Coding change: c.360C>G on transcript NM_000135.4 (MANE Select); coding-DNA position 360, C replaced by G.
Protein change: p.Ser120Arg; replaces serine 120 with arginine.
Molecular consequence: missense variant.
Genome position (GRCh38, 1-based): chr16:89,810,995, G>C on the plus strand (C>G on the coding strand, the complement: FANCA is on the minus strand). VCF-style: chr16-89810995-G-C. GRCh37 (hg19) VCF-style: chr16-89877403-G-C.
Other names: c.360C>G, p.Ser120Arg (NM_001018112.3, NM_001286167.3, NM_001351830.2); short protein forms S120R.
Identifiers: ClinVar variation 5036363 (VCV005036363.1).

ClinVar aggregate classification (germline): Uncertain significance (1 of 4 stars; one submission).

Conditions:
Inborn genetic diseases. Identifiers: MedGen C0950123, MeSH D030342.

gnomAD v4.1: 1 of 1,614,008 alleles (0.000062%); highest among the groups gnomAD compares: Non-Finnish European, 0.000085%; no homozygotes.

Submission:

Ambry Genetics
Classification: Uncertain significance for Inborn genetic diseases. Last evaluated: 2026-07-19. Review status: criteria provided, single submitter. Criteria: Ambry Variant Classification Scheme 2023. Collection method: clinical testing. Allele origin: germline.
Comment: The p.S120R variant (also known as c.360C>G), located in coding exon 4 of the FANCA gene, results from a C to G substitution at nucleotide position 360. The serine at codon 120 is replaced by arginine, an amino acid with dissimilar properties. This amino acid position is conserved. In addition, this alteration is predicted to be tolerated by in silico analysis. Based on the available evidence, the clinical significance of this variant remains unclear.